The following is an entry in ClinVar:

ClinVar aggregate classification (germline): Uncertain significance. Review status: criteria provided, single submitter (1 of 4 stars). 2 submissions from 2 submitters: Uncertain significance (1). 1 of the submissions does not count toward it. Last evaluated 2021-10-26.

Conditions:
UTP4-related disorder. Also called: UTP4-related condition.

Allele frequency attached by ClinVar (database versions not stated): ExAC 0.00016; ESP Exome Variant Server 0.00023.
gnomAD v4.1: 152 of 1,606,316 alleles (0.0095%); highest among the groups gnomAD compares: African/African-American, 0.017%; no homozygotes.

Submissions (2):

Ambry Genetics
Classification: Uncertain significance. Last evaluated: 2021-10-26. Review status: criteria provided, single submitter. Criteria: Ambry Variant Classification Scheme 2023. Collection method: clinical testing. Allele origin: germline.

PreventionGenetics, part of Exact Sciences
Classification: Uncertain significance for UTP4-related condition. Last evaluated: 2024-08-09. Review status: no assertion criteria provided. Collection method: clinical testing. Allele origin: germline. Not counted in ClinVar's aggregate classification.
Comment: The UTP4 c.427C>T variant is predicted to result in the amino acid substitution p.Arg143Trp. To our knowledge, this variant has not been reported in the literature. This variant is reported in 0.024% of alleles in individuals of African descent in gnomAD. At this time, the clinical significance of this variant is uncertain due to the absence of conclusive functional and genetic evidence.

NM_032830.3(UTP4):c.427C>T (p.Arg143Trp)

Gene: UTP4 (UTP4 small subunit processome component). Cytogenetic location: 16q22.1.
Variant type: single nucleotide variant.
Coding change: c.427C>T on transcript NM_032830.3 (MANE Select); coding-DNA position 427, C replaced by T.
Protein change: p.Arg143Trp; replaces arginine 143 with tryptophan.
Molecular consequence: missense variant.
Genome position (GRCh38, 1-based): chr16:69,137,876, C>T. VCF-style: chr16-69137876-C-T. GRCh37 (hg19) VCF-style: chr16-69171779-C-T.
Other names: c.178C>T, p.Arg60Trp (NM_001318391.2); short protein forms R143W, R60W.
Identifiers: ClinVar variation 2374366 (VCV002374366.3), dbSNP rs200047779, ClinGen allele CA8132020.